The following is an entry in ClinVar:

NM_007294.4(BRCA1):c.4895_4896del (p.Val1632fs)

Gene: BRCA1 (BRCA1 DNA repair associated; minus strand). Cytogenetic location: 17q21.31.
Variant type: Microsatellite.
Coding change: c.4895_4896del on transcript NM_007294.4 (MANE Select); coding-DNA positions 4895 to 4896, 2 bases deleted (TG; older notation c.4895_4896delTG).
Protein change: p.Val1632fs; shifts the reading frame from valine 1632.
Molecular consequence: frameshift variant. On other transcripts: non-coding transcript variant (1).
Genome position (GRCh38, 1-based): chr17:43,071,018-43,071,019, CA deleted on the plus strand (TG on the coding strand, the reverse complement: BRCA1 is on the minus strand); deleting any 2 consecutive bases within chr17:43,071,018-43,071,022 gives the same sequence; the c. name uses the placement nearest the transcript's 3' end. VCF-style (leftmost placement, unchanged base first): chr17-43071017-TCA-T. GRCh37 (hg19) VCF-style: chr17-41223034-TCA-T.
Other names: c.4895_4896delTG (NM_007294.3); c.4814_4815GT[1], p.Val1606Glufs (NM_001407655.1, NM_001407653.1, NM_001407654.1); c.4811_4812GT[1], p.Val1605Glufs (NM_001407656.1, NM_001407657.1, NM_001407658.1); c.4808_4809GT[1], p.Val1604Glufs (NM_001407659.1, NM_001407660.1, NM_001407661.1 and 2 more transcripts); c.4769_4770GT[1], p.Val1591Glufs (NM_001407664.1, NM_001407665.1, NM_001407666.1 and 6 more transcripts); c.4766_4767GT[1], p.Val1590Glufs (NM_001407670.1, NM_001407671.1, NM_001407672.1 and 11 more transcripts); c.4763_4764GT[1], p.Val1589Glufs (NM_001407681.1, NM_001407682.1, NM_001407683.1 and 6 more transcripts); c.4892_4893GT[1], p.Val1632Glufs (NM_001407684.1, NM_001407854.1, NM_001407593.1 and 8 more transcripts); and 74 more; short protein forms V1632fs, V528fs, V1585fs, V1653fs.
Identifiers: ClinVar variation 254458 (VCV000254458.5), dbSNP rs886038037, ClinGen allele CA10586606.

ClinVar aggregate classification (germline): Pathogenic. Review status: reviewed by expert panel (3 of 4 stars). 2 submissions from 2 submitters: Pathogenic (1). 1 of the submissions does not count toward it. Last evaluated 2016-09-08.

Conditions:
Breast-ovarian cancer, familial, susceptibility to, 1 (BROVCA1). Also called: BRCA1 Hereditary Breast and Ovarian Cancer; OVARIAN CANCER, SUSCEPTIBILITY TO. Identifiers: Orphanet 145, MedGen C2676676, MONDO:0011450, OMIM 604370. Disease mechanism: loss of function.

Submissions (2):

Evidence-based Network for the Interpretation of Germline Mutant Alleles (ENIGMA)
Classification: Pathogenic for Breast-ovarian cancer, familial, susceptibility to, 1. Last evaluated: 2016-09-08. Review status: reviewed by expert panel. Criteria: ENIGMA BRCA1/2 Classification Criteria (2015). Collection method: curation. Allele origin: germline.
Comment: Variant allele predicted to encode a truncated non-functional protein.

Myriad Genetics, Inc.
Classification: Pathogenic for Breast-ovarian cancer, familial, susceptibility to, 1. Last evaluated: 2026-01-20. Review status: criteria provided, single submitter. Criteria: Myriad Autosomal Dominant, Autosomal Recessive and X-Linked Classification Criteria (2023). Collection method: clinical testing. Allele origin: unknown. Not counted in ClinVar's aggregate classification.
Comment: This variant is considered pathogenic. This variant creates a frameshift predicted to result in premature protein truncation.